The following is an entry in ClinVar:

NM_021729.6(VPS11):c.490G>A (p.Val164Ile)

Gene: VPS11 (VPS11 core subunit of CORVET and HOPS complexes; plus strand). Cytogenetic location: 11q23.3.
Variant type: single nucleotide variant.
Coding change: c.490G>A on transcript NM_021729.6 (MANE Select); coding-DNA position 490, G replaced by A.
Protein change: p.Val164Ile; replaces valine 164 with isoleucine.
Molecular consequence: missense variant. On other transcripts: non-coding transcript variant (8).
Genome position (GRCh38, 1-based): chr11:119,070,251, G>A. VCF-style: chr11-119070251-G-A. GRCh37 (hg19) VCF-style: chr11-118940961-G-A.
Other names: c.490G>A, p.Val164Ile (NM_001378219.1, NM_001378220.1); c.472G>A, p.Val158Ile (NM_001378221.1); c.460G>A, p.Val154Ile (NM_001290185.2); c.502G>A, p.Val168Ile (NM_001378218.1); short protein forms V164I, V154I, V158I, V168I.
Identifiers: ClinVar variation 1407325 (VCV001407325.6), dbSNP rs782314006, ClinGen allele CA6313209.

ClinVar aggregate classification (germline): Uncertain significance (1 of 4 stars; one submission).

Allele frequency attached by ClinVar (database versions not stated): gnomAD 0.00001; gnomAD exomes 0.00002 and 0.00013; TOPMed 0.00003; ExAC 0.00010.
gnomAD v4.1: 34 of 1,611,530 alleles (0.0021%); highest among the groups gnomAD compares: Admixed American, 0.055%; no homozygotes.

Submission:

Labcorp Genetics (formerly Invitae), Labcorp
Classification: Uncertain significance. Last evaluated: 2024-12-09. Review status: criteria provided, single submitter. Criteria: Invitae Variant Classification Sherloc (09022015). Collection method: clinical testing. Allele origin: germline.
Comment: This sequence change replaces valine, which is neutral and non-polar, with isoleucine, which is neutral and non-polar, at codon 164 of the VPS11 protein (p.Val164Ile). This variant is present in population databases (rs782314006, gnomAD 0.08%). This variant has not been reported in the literature in individuals affected with VPS11-related conditions. ClinVar contains an entry for this variant (Variation ID: 1407325). Invitae Evidence Modeling of protein sequence and biophysical properties (such as structural, functional, and spatial information, amino acid conservation, physicochemical variation, residue mobility, and thermodynamic stability) indicates that this missense variant is not expected to disrupt VPS11 protein function with a negative predictive value of 80%. In summary, the available evidence is currently insufficient to determine the role of this variant in disease. Therefore, it has been classified as a Variant of Uncertain Significance.